The following is an entry in ClinVar:

NM_004560.4(ROR2):c.568A>G (p.Thr190Ala)

Gene: ROR2 (ROR family WNT receptor 2; minus strand). Cytogenetic location: 9q22.31.
Variant type: single nucleotide variant.
Coding change: c.568A>G on transcript NM_004560.4 (MANE Select); coding-DNA position 568, A replaced by G.
Protein change: p.Thr190Ala; replaces threonine 190 with alanine.
Molecular consequence: missense variant.
Genome position (GRCh38, 1-based): chr9:91,737,445, T>C on the plus strand (A>G on the coding strand, the complement: ROR2 is on the minus strand). VCF-style: chr9-91737445-T-C. GRCh37 (hg19) VCF-style: chr9-94499727-T-C.
Other names: c.568A>G, p.Thr190Ala (NM_001318204.2); short protein forms T190A.
Identifiers: ClinVar variation 288137 (VCV000288137.25), dbSNP rs34574788, ClinGen allele CA5120972.

ClinVar aggregate classification (germline): Conflicting classifications of pathogenicity. Review status: criteria provided, conflicting classifications (1 of 4 stars). 6 submissions from 5 submitters: Uncertain significance (3); Benign (1); Likely benign (2). Last evaluated 2025-11-24.

Conditions:
Brachydactyly type B1 (BDB1). Identifiers: Orphanet 572385, Orphanet 93383, MedGen C1862112, MONDO:0007220, OMIM 113000.
Autosomal recessive Robinow syndrome (RRS1). Also called: ROR2-Related Robinow Syndrome; ROBINOW SYNDROME, AUTOSOMAL RECESSIVE 1; COSTOVERTEBRAL SEGMENTATION DEFECT WITH MESOMELIA; COVESDEM SYNDROME. Identifiers: Orphanet 1507, Orphanet 97360, MedGen C5399974, MONDO:0009999, OMIM 268310.

Allele frequency attached by ClinVar (database versions not stated): ESP Exome Variant Server 0.00023; TOPMed 0.00025; ExAC 0.00026; gnomAD 0.00019 and 0.00018; gnomAD exomes 0.00035.
gnomAD v4.1: 265 of 1,613,992 alleles (0.016%); highest among the groups gnomAD compares: Admixed American, 0.038%; 1 homozygote.

Submissions (6):

Labcorp Genetics (formerly Invitae), Labcorp
Classification: Likely benign. Last evaluated: 2025-11-24. Review status: criteria provided, single submitter. Criteria: Invitae Variant Classification Sherloc (09022015). Collection method: clinical testing. Allele origin: germline.

Fulgent Genetics
Classification: Likely benign for Brachydactyly type B1; Autosomal recessive Robinow syndrome. Last evaluated: 2024-03-29. Review status: criteria provided, single submitter. Criteria: ACMG Guidelines, 2015. Collection method: clinical testing. Allele origin: germline.

GeneDx
Classification: Uncertain significance. Last evaluated: 2023-08-29. Review status: criteria provided, single submitter. Criteria: GeneDx Variant Classification Process June 2021. Collection method: clinical testing. Allele origin: germline.
Comment: In silico analysis supports that this missense variant does not alter protein structure/function; Has not been previously published as pathogenic or benign to our knowledge

Illumina Laboratory Services, Illumina
Classification: Benign for Brachydactyly type B1. Last evaluated: 2018-01-13. Review status: criteria provided, single submitter. Criteria: ICSL Variant Classification Criteria 13 December 2019. Collection method: clinical testing. Allele origin: germline.
Comment: This variant was observed in the ICSL laboratory as part of a predisposition screen in an ostensibly healthy population. It had not been previously curated by ICSL or reported in the Human Gene Mutation Database (HGMD: prior to June 1st, 2018), and was therefore a candidate for classification through an automated scoring system. Utilizing variant allele frequency, disease prevalence and penetrance estimates, and inheritance mode, an automated score was calculated to assess if this variant is too frequent to cause the disease. Based on the score and internal cut-off values, a variant classified as benign is not then subjected to further curation. The score for this variant resulted in a classification of benign for this disease.

Illumina Laboratory Services, Illumina
Classification: Uncertain significance for Autosomal recessive Robinow syndrome. Last evaluated: 2018-01-13. Review status: criteria provided, single submitter. Criteria: ICSL Variant Classification Criteria 13 December 2019. Collection method: clinical testing. Allele origin: germline.

Eurofins Ntd Llc (ga)
Classification: Uncertain significance. Last evaluated: 2016-06-30. Review status: criteria provided, single submitter. Criteria: EGL Classification Definitions 2015. Collection method: clinical testing. Allele origin: germline. Observed: 2 variant alleles, 2 heterozygotes.